The following is an entry in ClinVar:

ClinVar aggregate classification (germline): Uncertain significance (1 of 4 stars; one submission).

Submission:

Labcorp Genetics (formerly Invitae), Labcorp
Classification: Uncertain significance. Last evaluated: 2022-10-04. Review status: criteria provided, single submitter. Criteria: Invitae Variant Classification Sherloc (09022015). Collection method: clinical testing. Allele origin: germline.
Comment: This sequence change replaces glycine, which is neutral and non-polar, with arginine, which is basic and polar, at codon 829 of the ZNF341 protein (p.Gly829Arg). Information on the frequency of this variant in the gnomAD database is not available, as this variant may be reported differently in the database. This variant has not been reported in the literature in individuals affected with ZNF341-related conditions. ClinVar contains an entry for this variant (Variation ID: 1466242). Experimental studies and prediction algorithms are not available or were not evaluated, and the functional significance of this variant is currently unknown. In summary, the available evidence is currently insufficient to determine the role of this variant in disease. Therefore, it has been classified as a Variant of Uncertain Significance.

NM_001282933.2(ZNF341):c.2505_2506inv (p.Gly836Arg)

Genes: ZNF341 (zinc finger protein 341; plus strand), ZNF341-AS1 (ZNF341 antisense RNA 1; minus strand). Cytogenetic location: 20q11.22.
Variant type: Inversion.
Coding change: c.2505_2506inv on transcript NM_001282933.2 (MANE Select).
Protein change: p.Gly836Arg; replaces glycine 836 with arginine.
Molecular consequence: missense variant. On other transcripts: non-coding transcript variant (1).
Genome position: GRCh38 VCF-style: chr20-33791457-TG-CA. GRCh37 (hg19) VCF-style: chr20-32379263-TG-CA.
Other names: c.2235_2236inv, p.Gly746Arg (NM_001282935.2); c.2484_2485inv, p.Gly829Arg (NM_032819.5); short protein forms G746R, G836R, G829R.
Identifiers: ClinVar variation 1466242 (VCV001466242.5), ClinGen allele CA2573156996.